The following is an entry in ClinVar:

NM_001038603.3(MARVELD2):c.389T>A (p.Leu130His)

Gene: MARVELD2 (MARVEL domain containing 2; plus strand). Cytogenetic location: 5q13.2.
Variant type: single nucleotide variant.
Coding change: c.389T>A on transcript NM_001038603.3 (MANE Select); coding-DNA position 389, T replaced by A.
Protein change: p.Leu130His; replaces leucine 130 with histidine.
Molecular consequence: missense variant.
Genome position (GRCh38, 1-based): chr5:69,419,774, T>A. VCF-style: chr5-69419774-T-A. GRCh37 (hg19) VCF-style: chr5-68715601-T-A.
Other names: c.389T>A, p.Leu130His (NM_001244734.2); short protein forms L130H.
Identifiers: ClinVar variation 288916 (VCV000288916.14), dbSNP rs144717803, ClinGen allele CA3294035.
Genomic context (GRCh38, chr5:69,419,774, plus strand): 5'-CCGATGGAGTGGAGTGTTCACCACCAGCCTCTCCAGCAAGACCAAACCACCGTTCGCCCC[T>A]CAACTCCTGCAAAGATCCCTACGGAGGGTCAGAAGGAACCTTTAGTTCCCGGAAAGAGGC-3'
Protein context (NP_001033692.2, residues 120-140): SPARPNHRSP[Leu130His]NSCKDPYGGS

ClinVar aggregate classification (germline): Conflicting classifications of pathogenicity. Review status: criteria provided, conflicting classifications (1 of 4 stars). 5 submissions from 5 submitters: Uncertain significance (1); Likely benign (3). 1 of the submissions does not count toward it. Last evaluated 2025-11-28.

Conditions:
MARVELD2-related disorder. Also called: MARVELD2-related condition.

Allele frequency attached by ClinVar (database versions not stated): ExAC 0.00028; ESP Exome Variant Server 0.00092; gnomAD 0.00114 and 0.00103; gnomAD exomes 0.00009 and 0.00024; 1000 Genomes Project 0.00120; TOPMed 0.00108; 1000 Genomes Project 30x 0.00109.

Submissions (5):

Labcorp Genetics (formerly Invitae), Labcorp
Classification: Likely benign. Last evaluated: 2025-11-28. Review status: criteria provided, single submitter. Criteria: Invitae Variant Classification Sherloc (09022015). Collection method: clinical testing. Allele origin: germline.

GeneDx
Classification: Likely benign. Last evaluated: 2018-04-19. Review status: criteria provided, single submitter. Criteria: GeneDx Variant Classification (06012015). Collection method: clinical testing. Allele origin: germline. Affected: yes.
Comment: This variant is considered likely benign or benign based on one or more of the following criteria: it is a conservative change, it occurs at a poorly conserved position in the protein, it is predicted to be benign by multiple in silico algorithms, and/or has population frequency not consistent with disease.

Laboratory for Molecular Medicine, Mass General Brigham Personalized Medicine
Classification: Likely benign. Last evaluated: 2018-04-18. Review status: criteria provided, single submitter. Criteria: LMM Criteria. Collection method: clinical testing. Allele origin: germline. Observed: 1 variant allele.
Comment: p.Leu130His in exon 2 of MARVELD2: This variant is not expected to have clinical significance because it has been identified in 0.4% (86/24016) of African chrom osomes by the Genome Aggregation Database (gnomAD. org; dbSNP rs144717803) and due to a lack of conservation across species, includ ing mammals. ACMG/AMP criteria applied: BS1; BP4.

Eurofins Ntd Llc (ga)
Classification: Uncertain significance. Last evaluated: 2017-09-19. Review status: criteria provided, single submitter. Criteria: EGL Classification Definitions 2015. Collection method: clinical testing. Allele origin: germline. Observed: 2 variant alleles, 2 heterozygotes.

PreventionGenetics, part of Exact Sciences
Classification: Likely benign for MARVELD2-related condition. Last evaluated: 2024-09-03. Review status: no assertion criteria provided. Collection method: clinical testing. Allele origin: germline. Not counted in ClinVar's aggregate classification.
Comment: This variant is classified as likely benign based on ACMG/AMP sequence variant interpretation guidelines (Richards et al. 2015 PMID: 25741868, with internal and published modifications).